The following is an entry in ClinVar:

ClinVar aggregate classification (germline): Conflicting classifications of pathogenicity. Review status: criteria provided, conflicting classifications (1 of 4 stars). 3 submissions from 3 submitters: Uncertain significance (2); Likely benign (1). Last evaluated 2023-03-23.

Conditions:
Hereditary cancer-predisposing syndrome. Also called: Neoplastic Syndromes, Hereditary; Hereditary Cancer Syndrome; Tumor predisposition; Hereditary neoplastic syndrome. Identifiers: Orphanet 140162, MedGen C0027672, MeSH D009386, MONDO:0015356.
Hereditary breast ovarian cancer syndrome. Also called: Breast and ovarian cancer; Hereditary breast and ovarian cancer; Hereditary breast and ovarian cancer syndrome; Hereditary breast and ovarian cancer syndrome (HBOC); BRCA1- and BRCA2-Associated Hereditary Breast and Ovarian Cancer; Hereditary breast and/or ovarian cancer syndrome. Identifiers: Orphanet 145, MedGen C0677776, MeSH D061325, MONDO:0003582. Disease mechanism: loss of function.

Allele frequency attached by ClinVar (database versions not stated): gnomAD exomes below 0.00001.

Submissions (3):

University of Washington Department of Laboratory Medicine, University of Washington
Classification: Likely benign for Hereditary cancer-predisposing syndrome. Last evaluated: 2023-03-23. Review status: criteria provided, single submitter. Criteria: Dines et al. (Genet Med. 2020). Collection method: curation. Allele origin: germline.
Comment: Missense variant in a coldspot region where missense variants are very unlikely to be pathogenic (PMID:31911673).

BRCA2 exon 11 coldspot. Reclassification based on statistical prior probability.

Labcorp Genetics (formerly Invitae), Labcorp
Classification: Uncertain significance for Hereditary breast ovarian cancer syndrome. Last evaluated: 2021-11-15. Review status: criteria provided, single submitter. Criteria: Invitae Variant Classification Sherloc (09022015). Collection method: clinical testing. Allele origin: germline.
Comment: This sequence change replaces methionine, which is neutral and non-polar, with arginine, which is basic and polar, at codon 1475 of the BRCA2 protein (p.Met1475Arg). In summary, the available evidence is currently insufficient to determine the role of this variant in disease. Therefore, it has been classified as a Variant of Uncertain Significance. Advanced modeling of protein sequence and biophysical properties (such as structural, functional, and spatial information, amino acid conservation, physicochemical variation, residue mobility, and thermodynamic stability) performed at Invitae indicates that this missense variant is not expected to disrupt BRCA2 protein function. This variant has not been reported in the literature in individuals affected with BRCA2-related conditions. This variant is not present in population databases (gnomAD no frequency).

Ambry Genetics
Classification: Uncertain significance for Hereditary cancer-predisposing syndrome. Last evaluated: 2020-12-03. Review status: criteria provided, single submitter. Criteria: Ambry Variant Classification Scheme 2023. Collection method: clinical testing. Allele origin: germline.
Comment: The p.M1475R variant (also known as c.4424T>G), located in coding exon 10 of the BRCA2 gene, results from a T to G substitution at nucleotide position 4424. The methionine at codon 1475 is replaced by arginine, an amino acid with similar properties. This amino acid position is not well conserved in available vertebrate species. In addition, this alteration is predicted to be tolerated by in silico analysis. Since supporting evidence is limited at this time, the clinical significance of this alteration remains unclear.

NM_000059.4(BRCA2):c.4424T>G (p.Met1475Arg)

Gene: BRCA2 (BRCA2 DNA repair associated; plus strand). Cytogenetic location: 13q13.1.
Variant type: single nucleotide variant.
Coding change: c.4424T>G on transcript NM_000059.4 (MANE Select); coding-DNA position 4424, T replaced by G.
Protein change: p.Met1475Arg; replaces methionine 1475 with arginine.
Molecular consequence: missense variant.
Genome position (GRCh38, 1-based): chr13:32,338,779, T>G. VCF-style: chr13-32338779-T-G. GRCh37 (hg19) VCF-style: chr13-32912916-T-G.
Other names: short protein forms M1475R.
Identifiers: ClinVar variation 1473832 (VCV001473832.9), dbSNP rs2072503948, ClinGen allele CA387781262.